The following is an entry in ClinVar:

ClinVar aggregate classification (germline): Uncertain significance. Review status: criteria provided, multiple submitters, no conflicts (2 of 4 stars). 6 submissions from 6 submitters: Uncertain significance (5). 1 of the submissions does not count toward it. Last evaluated 2026-01-12.

Conditions:
Cystic fibrosis (CF). Also called: MUCOVISCIDOSIS. Identifiers: Orphanet 586, MedGen C0010674, MONDO:0009061, OMIM 219700. Disease mechanism: loss of function.
CFTR-related disorder (CFTR-RD). Also called: CFTR-related disorders; CFTR-related condition. Identifiers: MedGen C5924204, MONDO:7770004.

Allele frequency attached by ClinVar (database versions not stated): gnomAD exomes 0.00001 and 0.00002; ExAC 0.00003.
gnomAD v4.1: 10 of 1,600,762 alleles (0.00062%); highest among the groups gnomAD compares: Non-Finnish European, 0.00077%; no homozygotes.

Submissions (6):

Labcorp Genetics (formerly Invitae), Labcorp
Classification: Uncertain significance for Cystic fibrosis. Last evaluated: 2026-01-12. Review status: criteria provided, single submitter. Criteria: Invitae Variant Classification Sherloc (09022015). Collection method: clinical testing. Allele origin: germline.
Comment: This sequence change replaces glutamic acid, which is acidic and polar, with lysine, which is basic and polar, at codon 588 of the CFTR protein (p.Glu588Lys). This variant is present in population databases (rs755986694, gnomAD 0.005%). This missense change has been observed in individual(s) with infertility (PMID: 32357917). ClinVar contains an entry for this variant (Variation ID: 933197). Invitae Evidence Modeling of protein sequence and biophysical properties (such as structural, functional, and spatial information, amino acid conservation, physicochemical variation, residue mobility, and thermodynamic stability) indicates that this missense variant is not expected to disrupt CFTR protein function with a negative predictive value of 80%. In summary, the available evidence is currently insufficient to determine the role of this variant in disease. Therefore, it has been classified as a Variant of Uncertain Significance.

PreventionGenetics, part of Exact Sciences
Classification: Uncertain significance for CFTR-related condition. Last evaluated: 2025-10-09. Review status: criteria provided, single submitter. Criteria: ACMG Guidelines, 2015. Collection method: clinical testing. Allele origin: germline.
Comment: The CFTR c.1762G>A variant is predicted to result in the amino acid substitution p.Glu588Lys. This variant is reported in 0.0044% of alleles in individuals of European (Non-Finnish) descent in gnomAD. At this time, the clinical significance of this variant is uncertain due to the absence of conclusive functional and genetic evidence.

Women's Health and Genetics/Laboratory Corporation of America, LabCorp
Classification: Uncertain significance. Last evaluated: 2024-11-19. Review status: criteria provided, single submitter. Criteria: LabCorp Variant Classification Summary - May 2015. Collection method: clinical testing. Allele origin: germline.
Comment: Variant summary: CFTR c.1762G>A (p.Glu588Lys) results in a conservative amino acid change located in the ABC transporter-like, ATP-binding domain (IPR003439) of the encoded protein sequence. Three of five in-silico tools predict a benign effect of the variant on protein function. The variant allele was found at a frequency of 2e-05 in 249442 control chromosomes. The available data on variant occurrences in the general population are insufficient to allow any conclusion about variant significance. c.1762G>A has been reported in the literature in at least one female tested for infertility (example, Chamayou_2019). This report does not provide unequivocal conclusions about association of the variant with Chronic Pancreatitis, Cystic Fibrosis or related disorders. To our knowledge, no experimental evidence demonstrating an impact on protein function has been reported. The following publication was ascertained in the context of this evaluation (PMID: 32357917). To our knowledge, no experimental evidence demonstrating an impact on protein function has been reported. ClinVar contains an entry for this variant (Variation ID: 933197). Based on the evidence outlined above, the variant was classified as uncertain significance.

Ambry Genetics
Classification: Uncertain significance for Cystic fibrosis. Last evaluated: 2024-09-22. Review status: criteria provided, single submitter. Criteria: Ambry Variant Classification Scheme 2023. Collection method: clinical testing. Allele origin: germline.
Comment: The p.E588K variant (also known as c.1762G>A), located in coding exon 13 of the CFTR gene, results from a G to A substitution at nucleotide position 1762. The glutamic acid at codon 588 is replaced by lysine, an amino acid with similar properties. This variant has been reported in an individual with infertility (Chamayou S et al. BMC Med Genet, 2020 May;21:89). This amino acid position is well conserved in available vertebrate species. In addition, this alteration is predicted to be deleterious by in silico analysis. Based on the available evidence, the clinical significance of this variant remains unclear.

Genome-Nilou Lab
Classification: Uncertain significance for Cystic fibrosis. Last evaluated: 2021-09-05. Review status: criteria provided, single submitter. Criteria: ACMG Guidelines, 2015. Collection method: clinical testing. Allele origin: germline. Affected: no.

Natera, Inc.
Classification: Uncertain significance for CFTR-related disorders. Last evaluated: 2018-08-22. Review status: no assertion criteria provided. Collection method: clinical testing. Allele origin: germline. Not counted in ClinVar's aggregate classification.

Literature cited by the submitters: PubMed 32357917 (cited by 3 submitters).

NM_000492.4(CFTR):c.1762G>A (p.Glu588Lys)

Gene: CFTR (CF transmembrane conductance regulator; plus strand). Cytogenetic location: 7q31.2.
Variant type: single nucleotide variant.
Coding change: c.1762G>A on transcript NM_000492.4 (MANE Select); coding-DNA position 1762, G replaced by A.
Protein change: p.Glu588Lys; replaces glutamic acid 588 with lysine.
Molecular consequence: missense variant.
Genome position (GRCh38, 1-based): chr7:117,590,435, G>A. VCF-style: chr7-117590435-G-A. GRCh37 (hg19) VCF-style: chr7-117230489-G-A.
Other names: short protein forms E588K.
Identifiers: ClinVar variation 933197 (VCV000933197.13), dbSNP rs755986694, ClinGen allele CA4451077.